The following is an entry in ClinVar:

ClinVar aggregate classification (germline): Likely benign. Review status: criteria provided, multiple submitters, no conflicts (2 of 4 stars). 2 submissions from 2 submitters: Likely benign (2). Last evaluated 2024-10-17.

Conditions:
HECW2-related disorder. Also called: HECW2-related condition.

gnomAD v4.1: 219 of 1,607,996 alleles (0.014%); highest among the groups gnomAD compares: Non-Finnish European, 0.017%; no homozygotes.

Submissions (2):

PreventionGenetics, part of Exact Sciences
Classification: Likely benign for HECW2-related condition. Last evaluated: 2024-10-17. Review status: criteria provided, single submitter. Criteria: ACMG Guidelines, 2015. Collection method: clinical testing. Allele origin: germline.
Comment: This variant is classified as likely benign based on ACMG/AMP sequence variant interpretation guidelines (Richards et al. 2015 PMID: 25741868, with internal and published modifications).

Blueprint Genetics
Classification: Likely benign. Last evaluated: 2023-11-09. Review status: criteria provided, single submitter. Criteria: ACMG Guidelines, 2015. Collection method: clinical testing. Allele origin: germline.

NM_001348768.2(HECW2):c.4611G>A (p.Ala1537=)

Gene: HECW2 (HECT, C2 and WW domain containing E3 ubiquitin protein ligase 2; minus strand). Cytogenetic location: 2q32.3.
Variant type: single nucleotide variant.
Coding change: c.4611G>A on transcript NM_001348768.2 (MANE Select); coding-DNA position 4611, G replaced by A.
Protein change: p.Ala1537=; no amino-acid change (alanine 1537 retained).
Molecular consequence: synonymous variant.
Genome position (GRCh38, 1-based): chr2:196,201,385, C>T on the plus strand (G>A on the coding strand, the complement: HECW2 is on the minus strand). VCF-style: chr2-196201385-C-T. GRCh37 (hg19) VCF-style: chr2-197066109-C-T.
Other names: c.4611G>A (NM_020760.2); c.3543G>A, p.Ala1181= (NM_001304840.3); c.4611G>A, p.Ala1537= (NM_020760.4).
Identifiers: ClinVar variation 4959196 (VCV004959196.2).
Genomic context (GRCh38, chr2:196,201,385, plus strand): 5'-TTCATAAAGCATGGAAAAGGATGGGTAGGGAGGCAGATCCAGACGGTTAAAACATGTATG[C>T]GCTCTGAAAACACAAGAAACAGCACATAGTTTAGAACAGGCCGAGTGAAATGAAAATGTG-3'
Protein context (NP_001335697.1, residues 1527-1547): KWGKITALPR[Ala1537=]HTCFNRLDLP